The following is an entry in ClinVar:

ClinVar aggregate classification (germline): Uncertain significance (1 of 4 stars; one submission).

Conditions:
Primary ciliary dyskinesia. Also called: Ciliary dyskinesia. Identifiers: Orphanet 244, MedGen C0008780, MONDO:0016575, HP:0012265.

Allele frequency attached by ClinVar (database versions not stated): gnomAD exomes 0.00001; gnomAD 0.00002; TOPMed 0.00002.
gnomAD v4.1: 8 of 1,614,092 alleles (0.0005%); highest among the groups gnomAD compares: Non-Finnish European, 0.00068%; no homozygotes.

Submission:

Ambry Genetics
Classification: Uncertain significance for Primary ciliary dyskinesia. Last evaluated: 2024-01-01. Review status: criteria provided, single submitter. Criteria: Ambry Variant Classification Scheme 2023. Collection method: clinical testing. Allele origin: germline.
Comment: The p.H110L variant (also known as c.329A>T), located in coding exon 3 of the DNAAF3 gene, results from an A to T substitution at nucleotide position 329. The histidine at codon 110 is replaced by leucine, an amino acid with similar properties. This amino acid position is conserved. In addition, this alteration is predicted to be tolerated by in silico analysis. Since supporting evidence is limited at this time, the clinical significance of this alteration remains unclear.

NM_001256715.2(DNAAF3):c.125A>T (p.His42Leu)

Genes: DNAAF3 (dynein axonemal assembly factor 3; minus strand), DNAAF3-AS1 (DNAAF3 antisense RNA 1; plus strand). Cytogenetic location: 19q13.42.
Variant type: single nucleotide variant.
Coding change: c.125A>T on transcript NM_001256715.2 (MANE Select); coding-DNA position 125, A replaced by T.
Protein change: p.His42Leu; replaces histidine 42 with leucine.
Molecular consequence: missense variant. On other transcripts: 5 prime UTR variant (1).
Genome position (GRCh38, 1-based): chr19:55,165,961, T>A on the plus strand (A>T on the coding strand, the complement: DNAAF3 is on the minus strand). VCF-style: chr19-55165961-T-A. GRCh37 (hg19) VCF-style: chr19-55677329-T-A.
Other names: c.329A>T, p.His110Leu (NM_001256714.1); c.-114A>T (NM_001256716.2); c.266A>T, p.His89Leu (NM_178837.4); short protein forms H110L, H42L, H89L.
Identifiers: ClinVar variation 3221476 (VCV003221476.1), dbSNP rs1252732174, ClinGen allele CA407461632.
Genomic context (GRCh38, chr19:55,165,961, plus strand): 5'-CGCAGCAGGTGCCGTCCATCCACAGAGCCCAGAAGCAGCACATCTAGCTCGGGGTTGCTG[T>A]GCACTGTATCGGCCTGGGAGTCTGGGTCCACAGGAGGACCTGGCAAGATGACAGCTGGCT-3'
Protein context (NP_001243644.1, residues 32-52): VDPDSQADTV[His42Leu]SNPELDVLLL